The following is an entry in ClinVar:

ClinVar aggregate classification (germline): Likely pathogenic (1 of 4 stars; one submission).

Conditions:
Cataract-growth hormone deficiency-sensory neuropathy-sensorineural hearing loss-skeletal dysplasia syndrome. Also called: Cataracts, growth hormone deficiency, sensory neuropathy, sensorineural hearing loss, and skeletal dysplasia. Identifiers: Orphanet 436174, MedGen C4014942, MONDO:0014455, OMIM 616007.

Submission:

3billion
Classification: Likely pathogenic for Cataract-growth hormone deficiency-sensory neuropathy-sensorineural hearing loss-skeletal dysplasia syndrome. Last evaluated: 2025-11-08. Review status: criteria provided, single submitter. Criteria: ACMG Guidelines, 2015. Collection method: clinical testing. Allele origin: germline. Affected: yes.
Comment: The variant is not observed in the gnomAD v4.1.0 dataset. Predicted Consequence/Location: Frameshift: predicted to result in a loss or disruption of normal protein function through nonsense-mediated decay (NMD) or protein truncation. Multiple pathogenic variants are reported downstream of the variant. Therefore, this variant is classified as Likely pathogenic according to the recommendation of ACMG/AMP guideline.

NM_018060.4(IARS2):c.2313del (p.Glu772fs)

Gene: IARS2 (isoleucyl-tRNA synthetase 2, mitochondrial; plus strand). Cytogenetic location: 1q41.
Variant type: Deletion.
Coding change: c.2313del on transcript NM_018060.4 (MANE Select); coding-DNA position 2313, one base deleted (C; older notation c.2313delC).
Protein change: p.Glu772fs; shifts the reading frame from glutamic acid 772.
Molecular consequence: frameshift variant.
Genome position (GRCh38, 1-based): chr1:220,140,188, C deleted; the last of 2 consecutive C bases (chr1:220,140,187-220,140,188); deleting either gives the same sequence. VCF-style (leftmost placement, unchanged base first): chr1-220140186-AC-A. GRCh37 (hg19) VCF-style: chr1-220313528-AC-A.
Other names: short protein forms E772fs.
Identifiers: ClinVar variation 4855894 (VCV004855894.1).
Genomic context (GRCh38, chr1:220,140,186, plus strand): 5'-CTTACATTTTCATTTGCCTGTCTCAGCTTCCAAATTTATTTTGGCTTTGTTCCCTAGATT[AC>A]CGAATTATACAAACAATATGATTTTGGAAAAGTTGTTCGGCTGTTACGGACGTTTTATAC-3'